The following is an entry in ClinVar:

NM_001164508.2(NEB):c.21892A>T (p.Thr7298Ser)

Genes: RIF1 (replication timing regulatory factor 1; plus strand), NEB (nebulin; minus strand). Cytogenetic location: 2q23.3.
Variant type: single nucleotide variant.
Coding change: c.21892A>T on transcript NM_001164508.2 (MANE Select); coding-DNA position 21892, A replaced by T.
Protein change: p.Thr7298Ser; replaces threonine 7298 with serine.
Molecular consequence: missense variant.
Genome position (GRCh38, 1-based): chr2:151,526,971, T>A on the plus strand (A>T on the coding strand, the complement: NEB is on the minus strand). VCF-style: chr2-151526971-T-A. GRCh37 (hg19) VCF-style: chr2-152383485-T-A.
Other names: c.21892A>T, p.Thr7298Ser (NM_001164507.2); c.21997A>T, p.Thr7333Ser (NM_001271208.2); c.16789A>T, p.Thr5597Ser (NM_004543.5); c.16789A>T (NM_004543.4); short protein forms T7333S, T5597S, T7298S.
Identifiers: ClinVar variation 515953 (VCV000515953.5), dbSNP rs531618541, ClinGen allele CA1906843.

ClinVar aggregate classification (germline): Conflicting classifications of pathogenicity. Review status: criteria provided, conflicting classifications (1 of 4 stars). 4 submissions from 4 submitters: Uncertain significance (3); Likely benign (1). Last evaluated 2025-03-20.

Conditions:
Inborn genetic diseases. Identifiers: MedGen C0950123, MeSH D030342.
Nemaline myopathy 2 (NEM2). Also called: Nemaline myopathy 2, autosomal recessive. Identifiers: MedGen C1850569, MONDO:0009725, OMIM 256030.

Allele frequency attached by ClinVar (database versions not stated): gnomAD exomes 0.00009 and 0.00002; gnomAD 0.00005 and 0.00004; ExAC 0.00005; TOPMed 0.00003.
gnomAD v4.1: 142 of 1,604,736 alleles (0.0088%); highest among the groups gnomAD compares: Non-Finnish European, 0.011%; no homozygotes.

Submissions (4):

Ambry Genetics
Classification: Uncertain significance for Inborn genetic diseases. Last evaluated: 2025-03-20. Review status: criteria provided, single submitter. Criteria: Ambry Variant Classification Scheme 2023. Collection method: clinical testing. Allele origin: germline.

Revvity Omics, Revvity
Classification: Uncertain significance. Last evaluated: 2024-03-06. Review status: criteria provided, single submitter. Criteria: ACMG Guidelines, 2015. Collection method: clinical testing. Allele origin: germline.

Labcorp Genetics (formerly Invitae), Labcorp
Classification: Uncertain significance for Nemaline myopathy 2. Last evaluated: 2022-08-16. Review status: criteria provided, single submitter. Criteria: Invitae Variant Classification Sherloc (09022015). Collection method: clinical testing. Allele origin: germline.
Comment: This sequence change replaces threonine, which is neutral and polar, with serine, which is neutral and polar, at codon 7333 of the NEB protein (p.Thr7333Ser). This variant is present in population databases (rs531618541, gnomAD 0.005%). This variant has not been reported in the literature in individuals affected with NEB-related conditions. ClinVar contains an entry for this variant (Variation ID: 515953). Algorithms developed to predict the effect of missense changes on protein structure and function are either unavailable or do not agree on the potential impact of this missense change (SIFT: "Deleterious"; PolyPhen-2: "Not Available"; Align-GVGD: "Class C0"). In summary, the available evidence is currently insufficient to determine the role of this variant in disease. Therefore, it has been classified as a Variant of Uncertain Significance.

GeneDx
Classification: Likely benign. Last evaluated: 2018-03-08. Review status: criteria provided, single submitter. Criteria: GeneDx Variant Classification (06012015). Collection method: clinical testing. Allele origin: germline. Affected: yes.
Comment: This variant is considered likely benign or benign based on one or more of the following criteria: it is a conservative change, it occurs at a poorly conserved position in the protein, it is predicted to be benign by multiple in silico algorithms, and/or has population frequency not consistent with disease.